The following is an entry in ClinVar:

NM_000479.5(AMH):c.1192C>A (p.Pro398Thr)

Gene: AMH (anti-Mullerian hormone; plus strand). Cytogenetic location: 19p13.3.
Variant type: single nucleotide variant.
Coding change: c.1192C>A on transcript NM_000479.5 (MANE Select); coding-DNA position 1192, C replaced by A.
Protein change: p.Pro398Thr; replaces proline 398 with threonine.
Molecular consequence: missense variant.
Genome position (GRCh38, 1-based): chr19:2,251,466, C>A. VCF-style: chr19-2251466-C-A. GRCh37 (hg19) VCF-style: chr19-2251465-C-A.
Other names: short protein forms P398T.
Identifiers: ClinVar variation 2073422 (VCV002073422.4), dbSNP rs1414967184, ClinGen allele CA403242360.
Genomic context (GRCh38, chr19:2,251,466, plus strand): 5'-CGCGTGGCTGCTGAACTGCAAGCGGCGGCTGCCGAGCTGCGAAGCCTCCCGGGTCTGCCT[C>A]CGGCCACAGCCCCGCTGCTGGCGCGCCTGCTCGCGCTCTGCCCAGGTGGCCCCGGCGGCC-3'
Protein context (NP_000470.3, residues 388-408): AELRSLPGLP[Pro398Thr]ATAPLLARLL

ClinVar aggregate classification (germline): Uncertain significance (1 of 4 stars; one submission).

Submission:

Labcorp Genetics (formerly Invitae), Labcorp
Classification: Uncertain significance. Last evaluated: 2022-07-12. Review status: criteria provided, single submitter. Criteria: Invitae Variant Classification Sherloc (09022015). Collection method: clinical testing. Allele origin: germline.
Comment: This variant has not been reported in the literature in individuals affected with AMH-related conditions. In summary, the available evidence is currently insufficient to determine the role of this variant in disease. Therefore, it has been classified as a Variant of Uncertain Significance. Algorithms developed to predict the effect of missense changes on protein structure and function are either unavailable or do not agree on the potential impact of this missense change (SIFT: "Not Available"; PolyPhen-2: "Benign"; Align-GVGD: "Not Available"). This variant is not present in population databases (gnomAD no frequency). This sequence change replaces proline, which is neutral and non-polar, with threonine, which is neutral and polar, at codon 398 of the AMH protein (p.Pro398Thr).